The following is an entry in ClinVar:

ClinVar aggregate classification (germline): Uncertain significance (1 of 4 stars; one submission).

Submission:

Labcorp Genetics (formerly Invitae), Labcorp
Classification: Uncertain significance. Last evaluated: 2023-11-11. Review status: criteria provided, single submitter. Criteria: Invitae Variant Classification Sherloc (09022015). Collection method: clinical testing. Allele origin: germline.
Comment: This sequence change falls in intron 3 of the TUBA8 gene. It does not directly change the encoded amino acid sequence of the TUBA8 protein. This variant is not present in population databases (gnomAD no frequency). This variant has not been reported in the literature in individuals affected with TUBA8-related conditions. Experimental studies and prediction algorithms are not available or were not evaluated, and the effect of this variant on mRNA splicing is currently unknown. In summary, the available evidence is currently insufficient to determine the role of this variant in disease. Therefore, it has been classified as a Variant of Uncertain Significance.

NM_018943.3(TUBA8):c.375+12_375+26del

Gene: TUBA8 (tubulin alpha 8; plus strand). Cytogenetic location: 22q11.21.
Variant type: Deletion.
Coding change: c.375+12_375+26del on transcript NM_018943.3 (MANE Select); bases 12 to 26 of the intron after coding-DNA position 375, 15 bases deleted (AGGGCAGGGGACGGG).
Molecular consequence: intron variant.
Genome position (GRCh38, 1-based): chr22:18,124,316-18,124,330, AGGGCAGGGGACGGG deleted; deleting any 15 consecutive bases within chr22:18,124,314-18,124,330 gives the same sequence; the c. name uses the placement nearest the transcript's 3' end. VCF-style (leftmost placement, unchanged base first): chr22-18124313-AGGAGGGCAGGGGACG-A. GRCh37 (hg19) VCF-style: chr22-18607080-AGGAGGGCAGGGGACG-A.
Other names: c.177+12_177+26del (NM_001193414.2).
Identifiers: ClinVar variation 2897256 (VCV002897256.3), dbSNP rs1272327442, ClinGen allele CA751333818.